The following is an entry in ClinVar:

ClinVar aggregate classification (germline): Uncertain significance. Review status: criteria provided, single submitter (1 of 4 stars). 2 submissions from 2 submitters: Uncertain significance (1). 1 of the submissions does not count toward it. Last evaluated 2025-06-23.

Conditions:
Hereditary insensitivity to pain with anhidrosis (CIPA). Also called: NEUROPATHY, CONGENITAL SENSORY, WITH ANHIDROSIS; INSENSITIVITY TO PAIN, CONGENITAL, WITH ANHIDROSIS; FAMILIAL DYSAUTONOMIA, TYPE II; hereditary sensory and autonomic neuropathy type 4; NTRK1 Congenital Insensitivity to Pain with Anhidrosis; HSAN Type IV. Identifiers: Orphanet 642, MedGen C0020074, MONDO:0009746, OMIM 256800.

Allele frequency attached by ClinVar (database versions not stated): ExAC 0.00001; gnomAD 0.00001; gnomAD exomes 0.00001; TOPMed 0.00002.
gnomAD v4.1: 8 of 1,614,142 alleles (0.0005%); highest among the groups gnomAD compares: Admixed American, 0.0067%; no homozygotes.

Submissions (2):

Labcorp Genetics (formerly Invitae), Labcorp
Classification: Uncertain significance for Hereditary insensitivity to pain with anhidrosis. Last evaluated: 2025-06-23. Review status: criteria provided, single submitter. Criteria: Invitae Variant Classification Sherloc (09022015). Collection method: clinical testing. Allele origin: germline.
Comment: This sequence change replaces alanine, which is neutral and non-polar, with valine, which is neutral and non-polar, at codon 126 of the NTRK1 protein (p.Ala126Val). This variant is present in population databases (rs539589077, gnomAD 0.009%). This variant has not been reported in the literature in individuals affected with NTRK1-related conditions. ClinVar contains an entry for this variant (Variation ID: 950638). Invitae Evidence Modeling of protein sequence and biophysical properties (such as structural, functional, and spatial information, amino acid conservation, physicochemical variation, residue mobility, and thermodynamic stability) indicates that this missense variant is not expected to disrupt NTRK1 protein function with a negative predictive value of 95%. In summary, the available evidence is currently insufficient to determine the role of this variant in disease. Therefore, it has been classified as a Variant of Uncertain Significance.

Natera, Inc.
Classification: Uncertain significance for Hereditary insensitivity to pain with anhidrosis. Last evaluated: 2020-09-01. Review status: no assertion criteria provided. Collection method: clinical testing. Allele origin: germline. Not counted in ClinVar's aggregate classification.

NM_002529.4(NTRK1):c.377C>T (p.Ala126Val)

Gene: NTRK1 (neurotrophic receptor tyrosine kinase 1; plus strand). Cytogenetic location: 1q23.1.
Variant type: single nucleotide variant.
Coding change: c.377C>T on transcript NM_002529.4 (MANE Select); coding-DNA position 377, C replaced by T.
Protein change: p.Ala126Val; replaces alanine 126 with valine.
Molecular consequence: missense variant.
Genome position (GRCh38, 1-based): chr1:156,866,927, C>T. VCF-style: chr1-156866927-C-T. GRCh37 (hg19) VCF-style: chr1-156836719-C-T.
Other names: c.287C>T, p.Ala96Val (NM_001007792.1); c.377C>T, p.Ala126Val (NM_001012331.2); short protein forms A96V, A126V.
Identifiers: ClinVar variation 950638 (VCV000950638.9), dbSNP rs539589077, ClinGen allele CA1168944.
Genomic context (GRCh38, chr1:156,866,927, plus strand): 5'-GGTCACTCAAGGGGTCTGTCTTGCTGTGTCTCCACGCCCGCAGGAATCTCTCCTTCAACG[C>T]TCTGGAGTCTCTCTCCTGGAAAACTGTGCAGGGCCTCTCCTTACAGGAACTGTGAGTGGG-3'
Protein context (NP_002520.2, residues 116-136): RLSRLNLSFN[Ala126Val]LESLSWKTVQ